The following is an entry in ClinVar:

NM_000257.4(MYH7):c.2992G>C (p.Ala998Pro)

Gene: MYH7 (myosin heavy chain 7; minus strand). Cytogenetic location: 14q11.2.
Variant type: single nucleotide variant.
Coding change: c.2992G>C on transcript NM_000257.4 (MANE Select); coding-DNA position 2992, G replaced by C.
Protein change: p.Ala998Pro; replaces alanine 998 with proline.
Molecular consequence: missense variant.
Genome position (GRCh38, 1-based): chr14:23,423,654, C>G on the plus strand (G>C on the coding strand, the complement: MYH7 is on the minus strand). VCF-style: chr14-23423654-C-G. GRCh37 (hg19) VCF-style: chr14-23892863-C-G.
Other names: short protein forms A998P.
Identifiers: ClinVar variation 645070 (VCV000645070.9), dbSNP rs1595081345, ClinGen allele CA389046298.

ClinVar aggregate classification (germline): Uncertain significance. Review status: criteria provided, multiple submitters, no conflicts (2 of 4 stars). 3 submissions from 3 submitters: Uncertain significance (3). Last evaluated 2026-06-23.

Conditions:
Cardiovascular phenotype. Identifiers: MedGen CN230736.
Hypertrophic cardiomyopathy 1 (CMH1). Also called: MYH7-Related Familial Hypertrophic Cardiomyopathy; Familial hypertrophic cardiomyopathy 1. Identifiers: MedGen C3495498, MONDO:0008647, OMIM 192600.
Hypertrophic cardiomyopathy. Also called: HYPERTROPHIC MYOCARDIOPATHY. Identifiers: Orphanet 217569, MedGen C0007194, MeSH D002312, MONDO:0005045, HP:0001639.

Submissions (3):

Ambry Genetics
Classification: Uncertain significance for Cardiovascular phenotype. Last evaluated: 2026-06-23. Review status: criteria provided, single submitter. Criteria: Ambry Variant Classification Scheme 2023. Collection method: clinical testing. Allele origin: germline.

Helix
Classification: Uncertain significance for Hypertrophic cardiomyopathy 1. Last evaluated: 2025-12-22. Review status: criteria provided, single submitter. Criteria: ACMG Guidelines, 2015. Collection method: clinical testing. Allele origin: germline. Inheritance: Autosomal dominant inheritance.
Comment: This variant (NM_000257.4:c.2992G>C p.Ala998Pro) results in the substitution of alanine with proline at codon 998 in the MYH7 protein. It is a rare variant that is absent from the large gnomAD population database (v4.1). To our knowledge, this variant has not been reported in individuals affected with MYH7-related conditions. In silico prediction from REVEL (PMID: 27666373) is indeterminate. This variant is present in ClinVar (Variation ID: 645070). In conclusion, since the available evidence is limited, the clinical significance of this variant is unclear at this time. Therefore, it is classified as a Variant of Uncertain Significance.

Labcorp Genetics (formerly Invitae), Labcorp
Classification: Uncertain significance for Hypertrophic cardiomyopathy. Last evaluated: 2024-04-15. Review status: criteria provided, single submitter. Criteria: Invitae Variant Classification Sherloc (09022015). Collection method: clinical testing. Allele origin: germline.
Comment: This sequence change replaces alanine, which is neutral and non-polar, with proline, which is neutral and non-polar, at codon 998 of the MYH7 protein (p.Ala998Pro). This variant is not present in population databases (gnomAD no frequency). This variant has not been reported in the literature in individuals affected with MYH7-related conditions. ClinVar contains an entry for this variant (Variation ID: 645070). Advanced modeling of protein sequence and biophysical properties (such as structural, functional, and spatial information, amino acid conservation, physicochemical variation, residue mobility, and thermodynamic stability) performed at Invitae indicates that this missense variant is expected to disrupt MYH7 protein function with a positive predictive value of 95%. In summary, the available evidence is currently insufficient to determine the role of this variant in disease. Therefore, it has been classified as a Variant of Uncertain Significance.